The following is an entry in ClinVar:

ClinVar aggregate classification (germline): Pathogenic. Review status: criteria provided, multiple submitters, no conflicts (2 of 4 stars). 5 submissions from 5 submitters: Pathogenic (5). Last evaluated 2025-08-12.

Conditions:
Maple syrup urine disease type 2 (MSUD2). Also called: Maple syrup urine disease, type II. Identifiers: MedGen C1855371, MONDO:0023693, OMIM 620699.
Maple syrup urine disease (MSUD). Identifiers: Orphanet 511, MedGen C0024776, MeSH D008375, MONDO:0009563. Disease mechanism: loss of function.

gnomAD v4.1: 5 of 1,610,442 alleles (0.00031%); highest among the groups gnomAD compares: Admixed American, 0.0084%; no homozygotes.

Submissions (5):

Labcorp Genetics (formerly Invitae), Labcorp
Classification: Pathogenic for Maple syrup urine disease. Last evaluated: 2025-08-12. Review status: criteria provided, single submitter. Criteria: Invitae Variant Classification Sherloc (09022015). Collection method: clinical testing. Allele origin: germline.
Comment: This sequence change replaces arginine, which is basic and polar, with proline, which is neutral and non-polar, at codon 462 of the DBT protein (p.Arg462Pro). This variant is present in population databases (rs750594890, gnomAD 0.01%). This missense change has been observed in individual(s) with maple syrup urine disease (PMID: 11112664, 26232051). ClinVar contains an entry for this variant (Variation ID: 1407245). Invitae Evidence Modeling of protein sequence and biophysical properties (such as structural, functional, and spatial information, amino acid conservation, physicochemical variation, residue mobility, and thermodynamic stability) indicates that this missense variant is expected to disrupt DBT protein function with a positive predictive value of 95%. For these reasons, this variant has been classified as Pathogenic.

Fulgent Genetics
Classification: Pathogenic for Maple syrup urine disease type 2. Last evaluated: 2024-06-06. Review status: criteria provided, single submitter. Criteria: ACMG Guidelines, 2015. Collection method: clinical testing. Allele origin: germline.

Baylor Genetics
Classification: Pathogenic for Maple syrup urine disease type 1A. Last evaluated: 2023-09-19. Review status: criteria provided, single submitter. Criteria: ACMG Guidelines, 2015. Collection method: clinical testing. Allele origin: unknown.

Women's Health and Genetics/Laboratory Corporation of America, LabCorp
Classification: Pathogenic for Maple syrup urine disease. Last evaluated: 2023-08-07. Review status: criteria provided, single submitter. Criteria: LabCorp Variant Classification Summary - May 2015. Collection method: clinical testing. Allele origin: germline.
Comment: Variant summary: DBT c.1385G>C (p.Arg462Pro) results in a non-conservative amino acid change located in the 2-oxoacid dehydrogenase acyltransferase, catalytic domain (IPR001078) of the encoded protein sequence. Five of five in-silico tools predict a damaging effect of the variant on protein function. The variant allele was found at a frequency of 2e-05 in 251146 control chromosomes. c.1385G>C has been reported in the literature in multiple homozygous and compound heterozygous individuals affected with Maple Syrup Urine Disease (e.g., Rodriguez-Pombo_2006, Nellis_2001). These data indicate that the variant is very likely to be associated with disease. To our knowledge, no experimental evidence demonstrating an impact on protein function has been reported. The following publications have been ascertained in the context of this evaluation (PMID: 11112664, 16786533). One submitter has cited clinical-significance assessments for this variant to ClinVar after 2014 and has classified the variant as pathogenic. Based on the evidence outlined above, the variant was classified as pathogenic.

Genome-Nilou Lab
Classification: Pathogenic for Maple syrup urine disease type 1A. Last evaluated: 2023-04-11. Review status: criteria provided, single submitter. Criteria: ACMG Guidelines, 2015. Collection method: clinical testing. Allele origin: germline. Affected: no.

Literature cited by the submitters: PubMed 11112664 (cited by Labcorp Genetics (formerly Invitae), Labcorp and Women's Health and Genetics/Laboratory Corporation of America, LabCorp); PubMed 26232051 (cited by Labcorp Genetics (formerly Invitae), Labcorp); PubMed 16786533 (cited by Women's Health and Genetics/Laboratory Corporation of America, LabCorp).

NM_001918.5(DBT):c.1385G>C (p.Arg462Pro)

Gene: DBT (dihydrolipoamide branched chain transacylase E2; minus strand). Cytogenetic location: 1p21.2.
Variant type: single nucleotide variant.
Coding change: c.1385G>C on transcript NM_001918.5 (MANE Select); coding-DNA position 1385, G replaced by C.
Protein change: p.Arg462Pro; replaces arginine 462 with proline.
Molecular consequence: missense variant.
Genome position (GRCh38, 1-based): chr1:100,196,319, C>G on the plus strand (G>C on the coding strand, the complement: DBT is on the minus strand). VCF-style: chr1-100196319-C-G. GRCh37 (hg19) VCF-style: chr1-100661875-C-G.
Other names: c.1385G>C (NM_001918.3); short protein forms R462P.
Identifiers: ClinVar variation 1407245 (VCV001407245.12), dbSNP rs750594890, ClinGen allele CA969460.